The following is an entry in ClinVar:

ClinVar aggregate classification (germline): Conflicting classifications of pathogenicity. Review status: criteria provided, conflicting classifications (1 of 4 stars). 2 submissions from 2 submitters: Uncertain significance (1); Likely benign (1). Last evaluated 2024-12-10.

Conditions:
Inborn genetic diseases. Identifiers: MedGen C0950123, MeSH D030342.

Allele frequency attached by ClinVar (database versions not stated): gnomAD 0.00001; gnomAD exomes 0.00006; ESP Exome Variant Server 0.00008; ExAC 0.00009.
gnomAD v4.1: 83 of 1,614,048 alleles (0.0051%); highest among the groups gnomAD compares: East Asian, 0.089%; no homozygotes.

Submissions (2):

Ambry Genetics
Classification: Likely benign for Inborn genetic diseases. Last evaluated: 2024-12-10. Review status: criteria provided, single submitter. Criteria: Ambry Variant Classification Scheme 2023. Collection method: clinical testing. Allele origin: germline.

Labcorp Genetics (formerly Invitae), Labcorp
Classification: Uncertain significance. Last evaluated: 2022-04-27. Review status: criteria provided, single submitter. Criteria: Invitae Variant Classification Sherloc (09022015). Collection method: clinical testing. Allele origin: germline.
Comment: This sequence change replaces arginine, which is basic and polar, with histidine, which is basic and polar, at codon 1701 of the LTBP2 protein (p.Arg1701His). This variant is present in population databases (rs369856411, gnomAD 0.02%). This variant has not been reported in the literature in individuals affected with LTBP2-related conditions. Algorithms developed to predict the effect of missense changes on protein structure and function output the following: SIFT: "Tolerated"; PolyPhen-2: "Benign"; Align-GVGD: "Class C0". The histidine amino acid residue is found in multiple mammalian species, which suggests that this missense change does not adversely affect protein function. In summary, the available evidence is currently insufficient to determine the role of this variant in disease. Therefore, it has been classified as a Variant of Uncertain Significance.

NM_000428.3(LTBP2):c.5102G>A (p.Arg1701His)

Gene: LTBP2 (latent transforming growth factor beta binding protein 2; minus strand). Cytogenetic location: 14q24.3.
Variant type: single nucleotide variant.
Coding change: c.5102G>A on transcript NM_000428.3 (MANE Select); coding-DNA position 5102, G replaced by A.
Protein change: p.Arg1701His; replaces arginine 1701 with histidine.
Molecular consequence: missense variant.
Genome position (GRCh38, 1-based): chr14:74,502,721, C>T on the plus strand (G>A on the coding strand, the complement: LTBP2 is on the minus strand). VCF-style: chr14-74502721-C-T. GRCh37 (hg19) VCF-style: chr14-74969424-C-T.
Other names: c.5102G>A (NM_000428.2); short protein forms R1701H.
Identifiers: ClinVar variation 2184749 (VCV002184749.2), dbSNP rs369856411, ClinGen allele CA7268530.